The following is an entry in ClinVar:

ClinVar aggregate classification (germline): Uncertain significance (1 of 4 stars; one submission).

gnomAD v4.1: 10 of 1,614,080 alleles (0.00062%); highest among the groups gnomAD compares: Non-Finnish European, 0.00076%; no homozygotes.

Submission:

Labcorp Genetics (formerly Invitae), Labcorp
Classification: Uncertain significance. Last evaluated: 2025-08-18. Review status: criteria provided, single submitter. Criteria: Invitae Variant Classification Sherloc (09022015). Collection method: clinical testing. Allele origin: germline.
Comment: This sequence change replaces glutamine, which is neutral and polar, with glutamic acid, which is acidic and polar, at codon 801 of the SLCO5A1 protein (p.Gln801Glu). This variant is not present in population databases (gnomAD no frequency). This variant has not been reported in the literature in individuals affected with SLCO5A1-related conditions. ClinVar contains an entry for this variant (Variation ID: 1995205). An algorithm developed to predict the effect of missense changes on protein structure and function (PolyPhen-2) suggests that this variant is likely to be tolerated. In summary, the available evidence is currently insufficient to determine the role of this variant in disease. Therefore, it has been classified as a Variant of Uncertain Significance.

NM_030958.3(SLCO5A1):c.2401C>G (p.Gln801Glu)

Gene: SLCO5A1 (solute carrier organic anion transporter family member 5A1; minus strand). Cytogenetic location: 8q13.3.
Variant type: single nucleotide variant.
Coding change: c.2401C>G on transcript NM_030958.3 (MANE Select); coding-DNA position 2401, C replaced by G.
Protein change: p.Gln801Glu; replaces glutamine 801 with glutamic acid.
Molecular consequence: missense variant. On other transcripts: 3 prime UTR variant (1).
Genome position (GRCh38, 1-based): chr8:69,673,015, G>C on the plus strand (C>G on the coding strand, the complement: SLCO5A1 is on the minus strand). VCF-style: chr8-69673015-G-C. GRCh37 (hg19) VCF-style: chr8-70585250-G-C.
Other names: c.*272C>G (NM_001146008.2); c.2236C>G, p.Gln746Glu (NM_001146009.1); short protein forms Q801E, Q746E.
Identifiers: ClinVar variation 1995205 (VCV001995205.4), dbSNP rs374822545, ClinGen allele CA178306933.
Genomic context (GRCh38, chr8:69,673,015, plus strand): 5'-AGGTCTGTGCTGCGCACTGGATCCCTTTTTGCAGGCCAGTCTCTTCGTGGAATTCTCCCT[G>C]GGTGCTGAAAGCTGGGCAAGATCTAGTCCGGGCATTGTCGGGGTGTCCCACTCTCTCACT-3'
Protein context (NP_112220.2, residues 791-811): RTRSCPAFST[Gln801Glu]GEFHEETGLQ